The following is an entry in ClinVar:

NM_003072.5(SMARCA4):c.1451A>G (p.Lys484Arg)

Gene: SMARCA4 (SWI/SNF related BAF chromatin remodeling complex subunit ATPase 4; plus strand). Cytogenetic location: 19p13.2.
Variant type: single nucleotide variant.
Coding change: c.1451A>G on transcript NM_003072.5 (MANE Select); coding-DNA position 1451, A replaced by G.
Protein change: p.Lys484Arg; replaces lysine 484 with arginine.
Molecular consequence: missense variant. On other transcripts: non-coding transcript variant (1).
Genome position (GRCh38, 1-based): chr19:10,994,859, A>G. VCF-style: chr19-10994859-A-G. GRCh37 (hg19) VCF-style: chr19-11105535-A-G.
Other names: c.1451A>G, p.Lys484Arg (NM_001128844.3, NM_001128845.2, NM_001128846.2 and 6 more transcripts); short protein forms K484R.
Identifiers: ClinVar variation 1772957 (VCV001772957.7), dbSNP rs370678235, ClinGen allele CA9203788.
Genomic context (GRCh38, chr19:10,994,859, plus strand): 5'-TCAGCCTTCTCTTTTGTGCTTTCCTGCAGGAATACCTCAATAGCATTCTCCAGCATGCCA[A>G]GGATTTCAAGGAATATCACAGATCCGTCACAGGCAAAATCCAGAAGCTGACCAAGGCAGT-3'
Protein context (NP_003063.2, residues 474-494): EYLNSILQHA[Lys484Arg]DFKEYHRSVT

ClinVar aggregate classification (germline): Uncertain significance. Review status: criteria provided, multiple submitters, no conflicts (2 of 4 stars). 3 submissions from 3 submitters: Uncertain significance (3). Last evaluated 2023-08-25.

Conditions:
SMARCA4-related disorder. Also called: SMARCA4-related condition.
Hereditary cancer-predisposing syndrome. Also called: Hereditary Cancer Syndrome; Hereditary neoplastic syndrome; Neoplastic Syndromes, Hereditary; Tumor predisposition. Identifiers: Orphanet 140162, MedGen C0027672, MeSH D009386, MONDO:0015356.
Rhabdoid tumor predisposition syndrome 2 (RTPS2). Identifiers: Orphanet 231108, Orphanet 69077, MedGen C2750074, MONDO:0013224, OMIM 613325.

Allele frequency attached by ClinVar (database versions not stated): gnomAD exomes below 0.00001; gnomAD 0.00001; ExAC 0.00002; TOPMed 0.00002; ESP Exome Variant Server 0.00015.
gnomAD v4.1: 2 of 1,614,094 alleles (0.00012%); highest among the groups gnomAD compares: African/African-American, 0.0013%; no homozygotes.

Submissions (3):

PreventionGenetics, part of Exact Sciences
Classification: Uncertain significance for SMARCA4-related condition. Last evaluated: 2023-08-25. Review status: criteria provided, single submitter. Criteria: ACMG Guidelines, 2015. Collection method: clinical testing. Allele origin: germline.
Comment: The SMARCA4 c.1451A>G variant is predicted to result in the amino acid substitution p.Lys484Arg. To our knowledge, this variant has not been reported in the literature. This variant is reported in 2 of ~251,000 alleles in gnomAD. It is interpreted as uncertain significance in ClinVar. At this time, the clinical significance of this variant is uncertain due to the absence of conclusive functional and genetic evidence.

Labcorp Genetics (formerly Invitae), Labcorp
Classification: Uncertain significance for Rhabdoid tumor predisposition syndrome 2. Last evaluated: 2023-07-31. Review status: criteria provided, single submitter. Criteria: Invitae Variant Classification Sherloc (09022015). Collection method: clinical testing. Allele origin: germline.
Comment: In summary, the available evidence is currently insufficient to determine the role of this variant in disease. Therefore, it has been classified as a Variant of Uncertain Significance. Advanced modeling of protein sequence and biophysical properties (such as structural, functional, and spatial information, amino acid conservation, physicochemical variation, residue mobility, and thermodynamic stability) performed at Invitae indicates that this missense variant is not expected to disrupt SMARCA4 protein function. ClinVar contains an entry for this variant (Variation ID: 1772957). This variant has not been reported in the literature in individuals affected with SMARCA4-related conditions. This variant is present in population databases (rs370678235, gnomAD 0.01%). This sequence change replaces lysine, which is basic and polar, with arginine, which is basic and polar, at codon 484 of the SMARCA4 protein (p.Lys484Arg).

Ambry Genetics
Classification: Uncertain significance for Hereditary cancer-predisposing syndrome. Last evaluated: 2022-07-22. Review status: criteria provided, single submitter. Criteria: Ambry Variant Classification Scheme 2023. Collection method: clinical testing. Allele origin: germline.
Comment: The p.K484R variant (also known as c.1451A>G), located in coding exon 8 of the SMARCA4 gene, results from an A to G substitution at nucleotide position 1451. The lysine at codon 484 is replaced by arginine, an amino acid with highly similar properties. This amino acid position is highly conserved in available vertebrate species. In addition, this alteration is predicted to be tolerated by in silico analysis. Missense and in-frame variants in SMARCA4 are known to cause neurodevelopmental disorders; however, such associations with rhabdoid tumor predisposition syndrome including small cell carcinoma of the ovary-hypercalcemic type (SCCOHT) are exceedingly rare (Kosho T et al. Am J Med Genet C Semin Med Genet. 2014 Sep;166C(3):262-75; Jelinic P et al. Nat Genet. 2014 May;46(5):424-6). Since supporting evidence is limited at this time, the clinical significance of this alteration remains unclear.